The following is an entry in ClinVar:

ClinVar aggregate classification (germline): Conflicting classifications of pathogenicity. Review status: criteria provided, conflicting classifications (1 of 4 stars). 2 submissions from 2 submitters: Uncertain significance (1); Likely benign (1). Last evaluated 2024-12-19.

Conditions:
Inborn genetic diseases. Identifiers: MedGen C0950123, MeSH D030342.

Allele frequency attached by ClinVar (database versions not stated): gnomAD exomes 0.00001; ExAC 0.00002.
gnomAD v4.1: 18 of 1,613,052 alleles (0.0011%); highest among the groups gnomAD compares: South Asian, 0.02%; no homozygotes.

Submissions (2):

Labcorp Genetics (formerly Invitae), Labcorp
Classification: Uncertain significance. Last evaluated: 2024-12-19. Review status: criteria provided, single submitter. Criteria: Invitae Variant Classification Sherloc (09022015). Collection method: clinical testing. Allele origin: germline.
Comment: This sequence change replaces threonine, which is neutral and polar, with alanine, which is neutral and non-polar, at codon 686 of the KMT2A protein (p.Thr686Ala). This variant is present in population databases (rs782026566, gnomAD 0.01%). This variant has not been reported in the literature in individuals affected with KMT2A-related conditions. ClinVar contains an entry for this variant (Variation ID: 1919769). Invitae Evidence Modeling of protein sequence and biophysical properties (such as structural, functional, and spatial information, amino acid conservation, physicochemical variation, residue mobility, and thermodynamic stability) indicates that this missense variant is not expected to disrupt KMT2A protein function with a negative predictive value of 95%. In summary, the available evidence is currently insufficient to determine the role of this variant in disease. Therefore, it has been classified as a Variant of Uncertain Significance.

Ambry Genetics
Classification: Likely benign for Inborn genetic diseases. Last evaluated: 2024-06-19. Review status: criteria provided, single submitter. Criteria: Ambry Variant Classification Scheme 2023. Collection method: clinical testing. Allele origin: germline.

NM_001197104.2(KMT2A):c.2056A>G (p.Thr686Ala)

Gene: KMT2A (lysine methyltransferase 2A; plus strand). Cytogenetic location: 11q23.3.
Variant type: single nucleotide variant.
Coding change: c.2056A>G on transcript NM_001197104.2 (MANE Select); coding-DNA position 2056, A replaced by G.
Protein change: p.Thr686Ala; replaces threonine 686 with alanine.
Molecular consequence: missense variant.
Genome position (GRCh38, 1-based): chr11:118,473,215, A>G. VCF-style: chr11-118473215-A-G. GRCh37 (hg19) VCF-style: chr11-118343930-A-G.
Other names: c.2155A>G, p.Thr719Ala (NM_001412597.1); c.2056A>G, p.Thr686Ala (NM_005933.4); short protein forms T686A, T719A.
Identifiers: ClinVar variation 1919769 (VCV001919769.6), dbSNP rs782026566, ClinGen allele CA6303475.